The following is an entry in ClinVar:

ClinVar aggregate classification (germline): Uncertain significance (1 of 4 stars; one submission).

Submission:

GeneDx
Classification: Uncertain significance. Last evaluated: 2016-08-02. Review status: criteria provided, single submitter. Criteria: GeneDx Variant Classification (06012015). Collection method: clinical testing. Allele origin: germline. Affected: yes.
Comment: A variant of uncertain significance has been identified in the CHD2 gene. The F1229C variant has not been published as a pathogenic variant, nor has it been reported as a benign variant to our knowledge. It was not observed in approximately 6,500 individuals of European and African American ancestry in the NHLBI Exome Sequencing Project, indicating it is not a common benign variant in these populations. The F1229C variant is a non-conservative amino acid substitution, which is likely to impact secondary protein structure as these residues differ in polarity, charge, size, and/or other properties. This substitution occurs at a position that is conserved across species. In silico analysis is inconsistent in its predictions as to whether or not the variant is damaging to the protein structure/function. Based on the currently available information, it is unclear whether this variant is a pathogenic variant or a rare benign variant.

NM_001271.4(CHD2):c.3686T>G (p.Phe1229Cys)

Gene: CHD2 (chromodomain helicase DNA binding protein 2; plus strand). Cytogenetic location: 15q26.1.
Variant type: single nucleotide variant.
Coding change: c.3686T>G on transcript NM_001271.4 (MANE Select); coding-DNA position 3686, T replaced by G.
Protein change: p.Phe1229Cys; replaces phenylalanine 1229 with cysteine.
Molecular consequence: missense variant.
Genome position (GRCh38, 1-based): chr15:92,997,047, T>G. VCF-style: chr15-92997047-T-G. GRCh37 (hg19) VCF-style: chr15-93540277-T-G.
Other names: short protein forms F1229C.
Identifiers: ClinVar variation 421791 (VCV000421791.2), dbSNP rs1064795362, ClinGen allele CA16620054.